The following is an entry in ClinVar:

NM_007294.4(BRCA1):c.3282T>G (p.Tyr1094Ter)

Genes: BRCA1 (BRCA1 DNA repair associated; minus strand), LOC126862571 (BRD4-independent group 4 enhancer GRCh37_chr17:41243136-41244335; plus strand). Cytogenetic location: 17q21.31.
Variant type: single nucleotide variant.
Coding change: c.3282T>G on transcript NM_007294.4 (MANE Select); coding-DNA position 3282, T replaced by G.
Protein change: p.Tyr1094Ter; replaces tyrosine 1094 with a stop codon.
Molecular consequence: nonsense. On other transcripts: intron variant (137).
Genome position (GRCh38, 1-based): chr17:43,092,249, A>C on the plus strand (T>G on the coding strand, the complement: BRCA1 is on the minus strand). VCF-style: chr17-43092249-A-C. GRCh37 (hg19) VCF-style: chr17-41244266-A-C.
Other names: 3401T>G; c.3141T>G, p.Tyr1047Ter (NM_001407737.1, NM_001407738.1, NM_001407739.1 and 29 more transcripts); c.3138T>G, p.Tyr1046Ter (NM_001407740.1, NM_001407741.1, NM_001407742.1 and 20 more transcripts); c.3069T>G, p.Tyr1023Ter (NM_001407853.1, NM_001407894.1, NM_001407895.1 and 9 more transcripts); c.3282T>G, p.Tyr1094Ter (NM_001407854.1, NM_001407858.1, NM_001407859.1 and 30 more transcripts); c.3279T>G, p.Tyr1093Ter (NM_001407860.1, NM_001407861.1, NM_001407610.1 and 22 more transcripts); c.3081T>G, p.Tyr1027Ter (NM_001407862.1); c.3159T>G, p.Tyr1053Ter (NM_001407863.1, NM_001407919.1, NM_001407937.1 and 19 more transcripts); and 42 more; short protein forms Y1094*, Y1047*, Y1005*, Y1026*, Y1091*, Y1093*, Y1006*, Y1027*.
Identifiers: ClinVar variation 266351 (VCV000266351.8), dbSNP rs886040111, ClinGen allele CA10589769.

ClinVar aggregate classification (germline): Pathogenic. Review status: reviewed by expert panel (3 of 4 stars). 3 submissions from 3 submitters: Pathogenic (1). 2 of the submissions do not count toward it. Last evaluated 2016-10-18.

Conditions:
Breast-ovarian cancer, familial, susceptibility to, 1 (BROVCA1). Also called: BRCA1 Hereditary Breast and Ovarian Cancer; OVARIAN CANCER, SUSCEPTIBILITY TO. Identifiers: Orphanet 145, MedGen C2676676, MONDO:0011450, OMIM 604370. Disease mechanism: loss of function.
Hereditary cancer-predisposing syndrome. Also called: Hereditary Cancer Syndrome; Neoplastic Syndromes, Hereditary; Hereditary neoplastic syndrome; Tumor predisposition. Identifiers: Orphanet 140162, MedGen C0027672, MeSH D009386, MONDO:0015356.

Submissions (3):

Evidence-based Network for the Interpretation of Germline Mutant Alleles (ENIGMA)
Classification: Pathogenic for Breast-ovarian cancer, familial, susceptibility to, 1. Last evaluated: 2016-10-18. Review status: reviewed by expert panel. Criteria: ENIGMA BRCA1/2 Classification Criteria (2015). Collection method: curation. Allele origin: germline.
Comment: Variant allele predicted to encode a truncated non-functional protein.

Ambry Genetics
Classification: Pathogenic for Hereditary cancer-predisposing syndrome. Last evaluated: 2023-05-01. Review status: criteria provided, single submitter. Criteria: Ambry Variant Classification Scheme 2023. Collection method: clinical testing. Allele origin: germline. Not counted in ClinVar's aggregate classification.
Comment: The p.Y1094* pathogenic mutation (also known as c.3282T>G), located in coding exon 9 of the BRCA1 gene, results from a T to G substitution at nucleotide position 3282. This changes the amino acid from a tyrosine to a stop codon within coding exon 9. This mutation was identified in a cohort of 925 breast cancer patients from either France or Switzerland (De Talhouet S et al. Sci Rep, 2020 Apr;10:7073). This alteration was also identified in a large, worldwide study of BRCA1/2 mutation positive families (Rebbeck TR et al. Hum Mutat, 2018 May;39:593-620). This variant is considered to be rare based on population cohorts in the Genome Aggregation Database (gnomAD). In addition to the clinical data presented in the literature, this alteration is expected to result in loss of function by premature protein truncation or nonsense-mediated mRNA decay. As such, this alteration is interpreted as a disease-causing mutation.

Consortium of Investigators of Modifiers of BRCA1/2 (CIMBA), c/o University of Cambridge
Classification: Pathogenic for Breast-ovarian cancer, familial, susceptibility to, 1. Last evaluated: 2015-10-02. Review status: criteria provided, single submitter. Criteria: CIMBA Mutation Classification guidelines May 2016. Collection method: clinical testing. Allele origin: germline. Not counted in ClinVar's aggregate classification.

Literature cited by the submitters: PubMed 29446198 (cited by Ambry Genetics); PubMed 32341426 (cited by Ambry Genetics).